The following is an entry in ClinVar:

ClinVar aggregate classification (germline): Likely pathogenic (1 of 4 stars; one submission).

Conditions:
MPI-congenital disorder of glycosylation. Also called: CONGENITAL DISORDER OF GLYCOSYLATION, TYPE Ib; CDG Ib; MANNOSEPHOSPHATE ISOMERASE DEFICIENCY; MPI DEFICIENCY; PROTEIN-LOSING ENTEROPATHY-HEPATIC FIBROSIS SYNDROME; MPI-CDG. Identifiers: Orphanet 79319, MedGen C1865145, MONDO:0011257, OMIM 602579.

Submission:

Natera, Inc.
Classification: Likely pathogenic for Congenital disorder of glycosylation type 1b. Last evaluated: 2025-03-28. Review status: criteria provided, single submitter. Criteria: Natera Variant Classification Schema (03/2026). Collection method: clinical testing. Allele origin: germline.
Comment: The c.835del variant in MPI is a frameshift variant predicted to shift the reading frame and introduce a stop codon. This variant is expected to result in nonsense mediated decay, truncation, or a dysfunctional protein product. This variant is rare in the general population with a frequency below the threshold expected for the associated phenotype(s). Given the available evidence, this variant is classified as Likely Pathogenic.

NM_002435.3(MPI):c.835del (p.Tyr278_Leu279insTer)

Gene: MPI (mannose phosphate isomerase; plus strand). Cytogenetic location: 15q24.1.
Variant type: Deletion.
Coding change: c.835del on transcript NM_002435.3 (MANE Select); coding-DNA position 835, one base deleted (C; older notation c.835delC).
Protein change: p.Tyr278_Leu279insTer.
Molecular consequence: nonsense.
Genome position (GRCh38, 1-based): chr15:74,896,316, C deleted; the last of 2 consecutive C bases (chr15:74,896,315-74,896,316); deleting either gives the same sequence. VCF-style (leftmost placement, unchanged base first): chr15-74896314-AC-A. GRCh37 (hg19) VCF-style: chr15-75188655-AC-A.
Other names: c.835del, p.Tyr278_Leu279insTer (NM_001289155.2); c.685del, p.Tyr228_Leu229insTer (NM_001289156.2); c.652del, p.Tyr217_Leu218insTer (NM_001289157.2); c.775del, p.Tyr258_Leu259insTer (NM_001330372.2).
Identifiers: ClinVar variation 4057849 (VCV004057849.2).